The following is an entry in ClinVar:

ClinVar aggregate classification (germline): Conflicting classifications of pathogenicity. Review status: criteria provided, conflicting classifications (1 of 4 stars). 3 submissions from 3 submitters: Pathogenic (1); Likely pathogenic (1); Uncertain significance (1). Last evaluated 2026-09-21.

Conditions:
Neurofibromatosis, type 1 (NF1). Also called: Neurofibromatosis, type I; NEUROFIBROMATOSIS, TYPE I, SOMATIC; Peripheral type neurofibromatosis; VON RECKLINGHAUSEN DISEASE. Identifiers: Orphanet 636, MedGen C0027831, MONDO:0018975, OMIM 162200. Disease mechanism: loss of function.
Hereditary cancer-predisposing syndrome. Also called: Neoplastic Syndromes, Hereditary; Tumor predisposition; Hereditary Cancer Syndrome; Hereditary neoplastic syndrome. Identifiers: Orphanet 140162, MedGen C0027672, MeSH D009386, MONDO:0015356.
Cardiovascular phenotype. Identifiers: MedGen CN230736.

Submissions (3):

GeneDx
Classification: Likely pathogenic. Last evaluated: 2026-09-21. Review status: criteria provided, single submitter. Criteria: GeneDx Variant Classification Process June 2021. Collection method: clinical testing. Allele origin: germline.
Comment: Not observed at significant frequency in large population cohorts (gnomAD); In silico analysis supports that this missense variant has a deleterious effect on protein structure/function; This variant is associated with the following publications: (PMID: 23656349, 26275891, 35418823, 41675685)

Labcorp Genetics (formerly Invitae), Labcorp
Classification: Pathogenic for Neurofibromatosis, type 1. Last evaluated: 2025-08-09. Review status: criteria provided, single submitter. Criteria: Invitae Variant Classification Sherloc (09022015). Collection method: clinical testing. Allele origin: germline.
Comment: This sequence change replaces glycine, which is neutral and non-polar, with valine, which is neutral and non-polar, at codon 1869 of the NF1 protein (p.Gly1869Val). This variant is not present in population databases (gnomAD no frequency). This missense change has been observed in individual(s) with neurofibromatosis type 1 (PMID: 23656349, 26275891; internal data). In at least one individual the variant was observed to be de novo. Invitae Evidence Modeling of clinical and family history, age, sex, and reported ancestry of multiple individuals with this NF1 variant has been performed. This variant is expected to be pathogenic with a positive predictive value of at least 99%. This is a validated machine learning model that incorporates the clinical features of 1,785,918 individuals referred to our laboratory for NF1 testing. ClinVar contains an entry for this variant (Variation ID: 578661). Invitae Evidence Modeling of protein sequence and biophysical properties (such as structural, functional, and spatial information, amino acid conservation, physicochemical variation, residue mobility, and thermodynamic stability) indicates that this missense variant is expected to disrupt NF1 protein function with a positive predictive value of 95%. For these reasons, this variant has been classified as Pathogenic.

Ambry Genetics
Classification: Uncertain significance for Cardiovascular phenotype; Hereditary cancer-predisposing syndrome. Last evaluated: 2018-03-09. Review status: criteria provided, single submitter. Criteria: Ambry Variant Classification Scheme 2023. Collection method: clinical testing. Allele origin: germline.
Comment: The p.G1869V variant (also known as c.5606G>T), located in coding exon 38 of the NF1 gene, results from a G to T substitution at nucleotide position 5606. The glycine at codon 1869 is replaced by valine, an amino acid with dissimilar properties. The alteration was reportedly found de novo in an individual in a cohort of patients with neurofibromatosis 1 (NF1) or suspected of having NF1, however details were limited (van Minkelen R et al. Clin. Genet., 2014 Apr;85:318-27). This amino acid position is highly conserved in available vertebrate species. In addition, this alteration is predicted to be deleterious by in silico analysis. Since supporting evidence is limited at this time, the clinical significance of this alteration remains unclear.

Literature cited by the submitters: PubMed 23656349 (cited by Labcorp Genetics (formerly Invitae), Labcorp); PubMed 26275891 (cited by Labcorp Genetics (formerly Invitae), Labcorp).

NM_001042492.3(NF1):c.5669G>T (p.Gly1890Val)

Gene: NF1 (neurofibromin 1; plus strand). Cytogenetic location: 17q11.2.
Variant type: single nucleotide variant.
Coding change: c.5669G>T on transcript NM_001042492.3 (MANE Select); coding-DNA position 5669, G replaced by T.
Protein change: p.Gly1890Val; replaces glycine 1890 with valine.
Molecular consequence: missense variant.
Genome position (GRCh38, 1-based): chr17:31,330,355, G>T. VCF-style: chr17-31330355-G-T. GRCh37 (hg19) VCF-style: chr17-29657373-G-T.
Other names: c.5606G>T, p.Gly1869Val (NM_000267.4); short protein forms G1869V, G1890V.
Identifiers: ClinVar variation 578661 (VCV000578661.12), dbSNP rs1567613630, ClinGen allele CA399010220.